The following is an entry in ClinVar:

NM_000037.4(ANK1):c.4421T>C (p.Ile1474Thr)

Genes: ANK1 (ankyrin 1; minus strand), LOC126860368 (BRD4-independent group 4 enhancer GRCh37_chr8:41541049-41542248; plus strand). Cytogenetic location: 8p11.21.
Variant type: single nucleotide variant.
Coding change: c.4421T>C on transcript NM_000037.4 (MANE Select); coding-DNA position 4421, T replaced by C.
Protein change: p.Ile1474Thr; replaces isoleucine 1474 with threonine.
Molecular consequence: missense variant.
Genome position (GRCh38, 1-based): chr8:41,684,660, A>G on the plus strand (T>C on the coding strand, the complement: ANK1 is on the minus strand). VCF-style: chr8-41684660-A-G. GRCh37 (hg19) VCF-style: chr8-41542178-A-G.
Other names: c.4544T>C, p.Ile1515Thr (NM_001142446.2); c.4421T>C, p.Ile1474Thr (NM_020475.3, NM_020476.3, NM_020477.3); short protein forms I1474T, I1515T.
Identifiers: ClinVar variation 1309252 (VCV001309252.6), dbSNP rs376877498, ClinGen allele CA4727560.

ClinVar aggregate classification (germline): Uncertain significance. Review status: criteria provided, multiple submitters, no conflicts (2 of 4 stars). 3 submissions from 3 submitters: Uncertain significance (3). Last evaluated 2025-03-20.

Conditions:
Inborn genetic diseases. Identifiers: MedGen C0950123, MeSH D030342.

Allele frequency attached by ClinVar (database versions not stated): gnomAD exomes 0.00001; ExAC 0.00002; gnomAD 0.00003 and 0.00004; TOPMed 0.00004; ESP Exome Variant Server 0.00008.
gnomAD v4.1: 7 of 1,613,748 alleles (0.00043%); highest among the groups gnomAD compares: African/African-American, 0.0053%; no homozygotes.

Submissions (3):

Labcorp Genetics (formerly Invitae), Labcorp
Classification: Uncertain significance. Last evaluated: 2025-03-20. Review status: criteria provided, single submitter. Criteria: Invitae Variant Classification Sherloc (09022015). Collection method: clinical testing. Allele origin: germline.
Comment: This sequence change replaces isoleucine, which is neutral and non-polar, with threonine, which is neutral and polar, at codon 1474 of the ANK1 protein (p.Ile1474Thr). The frequency data for this variant in the population databases is considered unreliable, as metrics indicate poor data quality at this position in the gnomAD database. This variant has not been reported in the literature in individuals affected with ANK1-related conditions. ClinVar contains an entry for this variant (Variation ID: 1309252). An algorithm developed to predict the effect of missense changes on protein structure and function (PolyPhen-2) suggests that this variant is likely to be disruptive. In summary, the available evidence is currently insufficient to determine the role of this variant in disease. Therefore, it has been classified as a Variant of Uncertain Significance.

Ambry Genetics
Classification: Uncertain significance for Inborn genetic diseases. Last evaluated: 2025-01-19. Review status: criteria provided, single submitter. Criteria: Ambry Variant Classification Scheme 2023. Collection method: clinical testing. Allele origin: germline.

GeneDx
Classification: Uncertain significance. Last evaluated: 2019-10-13. Review status: criteria provided, single submitter. Criteria: GeneDx Variant Classification Process June 2021. Collection method: clinical testing. Allele origin: germline. Affected: yes.
Comment: In silico analysis, which includes protein predictors and evolutionary conservation, supports that this variant does not alter protein structure/function; Has not been previously published as pathogenic or benign to our knowledge